The following is an entry in ClinVar:

ClinVar aggregate classification (germline): Conflicting classifications of pathogenicity. Review status: criteria provided, conflicting classifications (1 of 4 stars). 3 submissions from 3 submitters: Uncertain significance (2); Likely benign (1). Last evaluated 2023-11-21.

Conditions:
Hereditary cancer-predisposing syndrome. Also called: Neoplastic Syndromes, Hereditary; Hereditary Cancer Syndrome; Hereditary neoplastic syndrome; Tumor predisposition. Identifiers: Orphanet 140162, MedGen C0027672, MeSH D009386, MONDO:0015356.
Hereditary breast ovarian cancer syndrome. Also called: Hereditary breast and ovarian cancer syndrome (HBOC); Hereditary breast and ovarian cancer syndrome; Breast and ovarian cancer; Hereditary breast and/or ovarian cancer syndrome; Hereditary breast and ovarian cancer; BRCA1- and BRCA2-Associated Hereditary Breast and Ovarian Cancer. Identifiers: Orphanet 145, MedGen C0677776, MeSH D061325, MONDO:0003582. Disease mechanism: loss of function.

Submissions (3):

Ambry Genetics
Classification: Uncertain significance for Hereditary cancer-predisposing syndrome. Last evaluated: 2023-11-21. Review status: criteria provided, single submitter. Criteria: Ambry Variant Classification Scheme 2023. Collection method: clinical testing. Allele origin: germline.
Comment: The p.T1050I variant (also known as c.3149C>T), located in coding exon 10 of the BRCA2 gene, results from a C to T substitution at nucleotide position 3149. The threonine at codon 1050 is replaced by isoleucine, an amino acid with similar properties. This amino acid position is not well conserved in available vertebrate species. In addition, this alteration is predicted to be tolerated by in silico analysis. Since supporting evidence is limited at this time, the clinical significance of this alteration remains unclear.

University of Washington Department of Laboratory Medicine, University of Washington
Classification: Likely benign for Hereditary cancer-predisposing syndrome. Last evaluated: 2023-03-23. Review status: criteria provided, single submitter. Criteria: Dines et al. (Genet Med. 2020). Collection method: curation. Allele origin: germline.
Comment: Missense variant in a coldspot region where missense variants are very unlikely to be pathogenic (PMID:31911673).

BRCA2 exon 11 coldspot. Reclassification based on statistical prior probability.

Labcorp Genetics (formerly Invitae), Labcorp
Classification: Uncertain significance for Hereditary breast ovarian cancer syndrome. Last evaluated: 2022-01-07. Review status: criteria provided, single submitter. Criteria: Invitae Variant Classification Sherloc (09022015). Collection method: clinical testing. Allele origin: germline.
Comment: In summary, the available evidence is currently insufficient to determine the role of this variant in disease. Therefore, it has been classified as a Variant of Uncertain Significance. Advanced modeling of protein sequence and biophysical properties (such as structural, functional, and spatial information, amino acid conservation, physicochemical variation, residue mobility, and thermodynamic stability) performed at Invitae indicates that this missense variant is not expected to disrupt BRCA2 protein function. ClinVar contains an entry for this variant (Variation ID: 462287). This variant has not been reported in the literature in individuals affected with BRCA2-related conditions. This variant is not present in population databases (gnomAD no frequency). This sequence change replaces threonine, which is neutral and polar, with isoleucine, which is neutral and non-polar, at codon 1050 of the BRCA2 protein (p.Thr1050Ile).

NM_000059.4(BRCA2):c.3149C>T (p.Thr1050Ile)

Gene: BRCA2 (BRCA2 DNA repair associated; plus strand). Cytogenetic location: 13q13.1.
Variant type: single nucleotide variant.
Coding change: c.3149C>T on transcript NM_000059.4 (MANE Select); coding-DNA position 3149, C replaced by T.
Protein change: p.Thr1050Ile; replaces threonine 1050 with isoleucine.
Molecular consequence: missense variant.
Genome position (GRCh38, 1-based): chr13:32,337,504, C>T. VCF-style: chr13-32337504-C-T. GRCh37 (hg19) VCF-style: chr13-32911641-C-T.
Other names: short protein forms T1050I.
Identifiers: ClinVar variation 462287 (VCV000462287.14), dbSNP rs1010143466, ClinGen allele CA247504652.